The following is an entry in ClinVar:

NM_000138.5(FBN1):c.5671+5G>A

Gene: FBN1 (fibrillin 1; minus strand). Cytogenetic location: 15q21.1.
Variant type: single nucleotide variant.
Coding change: c.5671+5G>A on transcript NM_000138.5 (MANE Select); 5 bases into the intron after coding-DNA position 5671, G replaced by A.
Molecular consequence: intron variant.
Genome position (GRCh38, 1-based): chr15:48,448,763, C>T on the plus strand (G>A on the coding strand, the complement: FBN1 is on the minus strand). VCF-style: chr15-48448763-C-T. GRCh37 (hg19) VCF-style: chr15-48740960-C-T.
Other names: c.5671+5G>A (NM_001406716.1).
Identifiers: ClinVar variation 3386780 (VCV003386780.1).

ClinVar aggregate classification (germline): Uncertain significance (1 of 4 stars; one submission).

Conditions:
Marfan syndrome (MFS). Also called: MARFAN SYNDROME, TYPE I; Marfan syndrome type 1; Marfan's syndrome; FBN1-Related Marfan Syndrome; Marfan syndrome, classic. Identifiers: Orphanet 284963, Orphanet 558, MedGen C0024796, MONDO:0007947, OMIM 154700.

Submission:

All of Us Research Program, National Institutes of Health
Classification: Uncertain significance for Marfan syndrome. Last evaluated: 2024-09-23. Review status: criteria provided, single submitter. Criteria: ACMG Guidelines, 2015. Collection method: clinical testing. Allele origin: germline. Inheritance: Autosomal dominant inheritance. Observed: 1 variant allele, 1 heterozygote.
Comment: This study involves interpretation of variants in research participants for the purpose of population health screening. Participant phenotype was not available at the time of variant classification. Additional details can be found in publication PMID: 35346344, PMCID: PMC8962531